The following is an entry in ClinVar:

NM_000059.4(BRCA2):c.2083A>C (p.Lys695Gln)

Gene: BRCA2 (BRCA2 DNA repair associated; plus strand). Cytogenetic location: 13q13.1.
Variant type: single nucleotide variant.
Coding change: c.2083A>C on transcript NM_000059.4 (MANE Select); coding-DNA position 2083, A replaced by C.
Protein change: p.Lys695Gln; replaces lysine 695 with glutamine.
Molecular consequence: missense variant. On other transcripts: non-coding transcript variant (1), intron variant (2).
Genome position (GRCh38, 1-based): chr13:32,336,438, A>C. VCF-style: chr13-32336438-A-C. GRCh37 (hg19) VCF-style: chr13-32910575-A-C.
Other names: c.2083A>C, p.Lys695Gln (NM_001406719.1, NM_001406720.1, NM_001432077.1); c.1909+3051A>C (NM_001406721.1); c.424+5408A>C (NM_001406722.1); short protein forms K695Q.
Identifiers: ClinVar variation 4802284 (VCV004802284.1).

ClinVar aggregate classification (germline): Uncertain significance (1 of 4 stars; one submission).

Conditions:
Hereditary breast ovarian cancer syndrome. Also called: Hereditary breast and ovarian cancer syndrome (HBOC); Hereditary breast and ovarian cancer; Breast and ovarian cancer; Hereditary breast and/or ovarian cancer syndrome; BRCA1- and BRCA2-Associated Hereditary Breast and Ovarian Cancer; Hereditary breast and ovarian cancer syndrome. Identifiers: Orphanet 145, MedGen C0677776, MeSH D061325, MONDO:0003582. Disease mechanism: loss of function.

Submission:

Labcorp Genetics (formerly Invitae), Labcorp
Classification: Uncertain significance for Hereditary breast ovarian cancer syndrome. Last evaluated: 2025-09-01. Review status: criteria provided, single submitter. Criteria: Invitae Variant Classification Sherloc (09022015). Collection method: clinical testing. Allele origin: germline.
Comment: This sequence change replaces lysine, which is basic and polar, with glutamine, which is neutral and polar, at codon 695 of the BRCA2 protein (p.Lys695Gln). This variant is not present in population databases (gnomAD no frequency). This variant has not been reported in the literature in individuals affected with BRCA2-related conditions. Invitae Evidence Modeling of protein sequence and biophysical properties (such as structural, functional, and spatial information, amino acid conservation, physicochemical variation, residue mobility, and thermodynamic stability) indicates that this missense variant is not expected to disrupt BRCA2 protein function with a negative predictive value of 95%. In summary, the available evidence is currently insufficient to determine the role of this variant in disease. Therefore, it has been classified as a Variant of Uncertain Significance.